The following is an entry in ClinVar:

ClinVar aggregate classification (germline): Pathogenic (1 of 4 stars; one submission).

Allele frequency attached by ClinVar (database versions not stated): gnomAD 0.00001; gnomAD exomes 0.00002; TOPMed 0.00002; ExAC 0.00003; ESP Exome Variant Server 0.00008; 1000 Genomes Project 30x 0.00016; 1000 Genomes Project 0.00020.
gnomAD v4.1: 26 of 1,614,032 alleles (0.0016%); highest among the groups gnomAD compares: Admixed American, 0.0067%; no homozygotes.

Submission:

Labcorp Genetics (formerly Invitae), Labcorp
Classification: Pathogenic. Last evaluated: 2026-01-30. Review status: criteria provided, single submitter. Criteria: Invitae Variant Classification Sherloc (09022015). Collection method: clinical testing. Allele origin: germline.
Comment: This sequence change replaces glycine, which is neutral and non-polar, with arginine, which is basic and polar, at codon 2384 of the DNAH9 protein (p.Gly2384Arg). This variant is present in population databases (rs267604735, gnomAD 0.007%). This missense change has been observed in individual(s) with clinical features of primary ciliary dyskinesia (PMID: 35050399, 36712782; internal data). In at least one individual the data is consistent with being in trans (on the opposite chromosome) from a pathogenic variant. ClinVar contains an entry for this variant (Variation ID: 1926525). Invitae Evidence Modeling of protein sequence and biophysical properties (such as structural, functional, and spatial information, amino acid conservation, physicochemical variation, residue mobility, and thermodynamic stability) indicates that this missense variant is expected to disrupt DNAH9 protein function with a positive predictive value of 80%. For these reasons, this variant has been classified as Pathogenic.

Literature cited by the submitters: PubMed 35050399; PubMed 36712782.

NM_001372.4(DNAH9):c.7150G>A (p.Gly2384Arg)

Gene: DNAH9 (dynein axonemal heavy chain 9; plus strand). Cytogenetic location: 17p12.
Variant type: single nucleotide variant.
Coding change: c.7150G>A on transcript NM_001372.4 (MANE Select); coding-DNA position 7150, G replaced by A.
Protein change: p.Gly2384Arg; replaces glycine 2384 with arginine.
Molecular consequence: missense variant.
Genome position (GRCh38, 1-based): chr17:11,763,594, G>A. VCF-style: chr17-11763594-G-A. GRCh37 (hg19) VCF-style: chr17-11666911-G-A.
Other names: short protein forms G2384R.
Identifiers: ClinVar variation 1926525 (VCV001926525.3), dbSNP rs267604735, ClinGen allele CA8396525.